The following is an entry in ClinVar:

NM_145239.3(PRRT2):c.19G>A (p.Glu7Lys)

Genes: MVP-DT (MVP divergent transcript; minus strand), PRRT2 (proline rich transmembrane protein 2; plus strand). Cytogenetic location: 16p11.2.
Variant type: single nucleotide variant.
Coding change: c.19G>A on transcript NM_145239.3 (MANE Select); coding-DNA position 19, G replaced by A.
Protein change: p.Glu7Lys; replaces glutamic acid 7 with lysine.
Molecular consequence: missense variant.
Genome position (GRCh38, 1-based): chr16:29,813,073, G>A. VCF-style: chr16-29813073-G-A. GRCh37 (hg19) VCF-style: chr16-29824394-G-A.
Other names: c.19G>A, p.Glu7Lys (NM_001256442.2, NM_001256443.2); short protein forms E7K.
Identifiers: ClinVar variation 1356588 (VCV001356588.9), dbSNP rs1215479164, ClinGen allele CA395476998.

ClinVar aggregate classification (germline): Uncertain significance. Review status: criteria provided, multiple submitters, no conflicts (2 of 4 stars). 2 submissions from 2 submitters: Uncertain significance (2). Last evaluated 2024-12-15.

Conditions:
Episodic kinesigenic dyskinesia (EKD). Also called: Paroxysmal kinesigenic dyskinesia. Identifiers: Orphanet 98809, MedGen C1868682, MONDO:0044202.

Allele frequency attached by ClinVar (database versions not stated): gnomAD exomes 0.00001; TOPMed 0.00001.

Submissions (2):

Labcorp Genetics (formerly Invitae), Labcorp
Classification: Uncertain significance for Episodic kinesigenic dyskinesia. Last evaluated: 2024-12-15. Review status: criteria provided, single submitter. Criteria: Invitae Variant Classification Sherloc (09022015). Collection method: clinical testing. Allele origin: germline.
Comment: This sequence change replaces glutamic acid, which is acidic and polar, with lysine, which is basic and polar, at codon 7 of the PRRT2 protein (p.Glu7Lys). This variant is present in population databases (no rsID available, gnomAD 0.003%). This variant has not been reported in the literature in individuals affected with PRRT2-related conditions. ClinVar contains an entry for this variant (Variation ID: 1356588). Invitae Evidence Modeling of protein sequence and biophysical properties (such as structural, functional, and spatial information, amino acid conservation, physicochemical variation, residue mobility, and thermodynamic stability) indicates that this missense variant is not expected to disrupt PRRT2 protein function with a negative predictive value of 95%. In summary, the available evidence is currently insufficient to determine the role of this variant in disease. Therefore, it has been classified as a Variant of Uncertain Significance.

Blueprint Genetics
Classification: Uncertain significance. Last evaluated: 2024-11-19. Review status: criteria provided, single submitter. Criteria: ACMG Guidelines, 2015. Collection method: clinical testing. Allele origin: germline.